The following is an entry in ClinVar:

NM_015602.4(TOR1AIP1):c.134A>C (p.Tyr45Ser)

Genes: TOR1AIP1 (torsin 1A interacting protein 1; plus strand), LOC112577517 (Sharpr-MPRA regulatory region 13766; plus strand). Cytogenetic location: 1q25.2.
Variant type: single nucleotide variant.
Coding change: c.134A>C on transcript NM_015602.4 (MANE Select); coding-DNA position 134, A replaced by C.
Protein change: p.Tyr45Ser; replaces tyrosine 45 with serine.
Molecular consequence: missense variant.
Genome position (GRCh38, 1-based): chr1:179,882,636, A>C. VCF-style: chr1-179882636-A-C. GRCh37 (hg19) VCF-style: chr1-179851771-A-C.
Other names: c.134A>C, p.Tyr45Ser (NM_001267578.2); short protein forms Y45S.
Identifiers: ClinVar variation 2165940 (VCV002165940.1), dbSNP rs1322402103, ClinGen allele CA343577706.

ClinVar aggregate classification (germline): Uncertain significance (1 of 4 stars; one submission).

Conditions:
Autosomal recessive limb-girdle muscular dystrophy type 2Y (MRRSDC). Also called: Muscular dystrophy, autosomal recessive, with rigid spine and distal joint contractures; Muscular dystrophy, limb-girdle, type 2y. Identifiers: Orphanet 424261, MedGen C4511482, MONDO:0014900, OMIM 617072.

Allele frequency attached by ClinVar (database versions not stated): TOPMed 0.00002.

Submission:

Labcorp Genetics (formerly Invitae), Labcorp
Classification: Uncertain significance for Autosomal recessive limb-girdle muscular dystrophy type 2Y. Last evaluated: 2022-08-31. Review status: criteria provided, single submitter. Criteria: Invitae Variant Classification Sherloc (09022015). Collection method: clinical testing. Allele origin: germline.
Comment: This sequence change replaces tyrosine, which is neutral and polar, with serine, which is neutral and polar, at codon 45 of the TOR1AIP1 protein (p.Tyr45Ser). This variant is present in population databases (no rsID available, gnomAD 0.01%). This variant has not been reported in the literature in individuals affected with TOR1AIP1-related conditions. Algorithms developed to predict the effect of missense changes on protein structure and function are either unavailable or do not agree on the potential impact of this missense change (SIFT: "Deleterious"; PolyPhen-2: "Possibly Damaging"; Align-GVGD: "Class C0"). In summary, the available evidence is currently insufficient to determine the role of this variant in disease. Therefore, it has been classified as a Variant of Uncertain Significance.